The following is an entry in ClinVar:

NM_000553.6(WRN):c.3123C>T (p.Cys1041=)

Gene: WRN (WRN RecQ like helicase; plus strand). Cytogenetic location: 8p12.
Variant type: single nucleotide variant.
Coding change: c.3123C>T on transcript NM_000553.6 (MANE Select); coding-DNA position 3123, C replaced by T.
Protein change: p.Cys1041=; no amino-acid change (cysteine 1041 retained).
Molecular consequence: synonymous variant.
Genome position (GRCh38, 1-based): chr8:31,141,585, C>T. VCF-style: chr8-31141585-C-T. GRCh37 (hg19) VCF-style: chr8-30999101-C-T.
Identifiers: ClinVar variation 528216 (VCV000528216.34), dbSNP rs773664315, ClinGen allele CA4704938.

ClinVar aggregate classification (germline): Likely benign. Review status: criteria provided, multiple submitters, no conflicts (2 of 4 stars). 2 submissions from 2 submitters: Likely benign (2). Last evaluated 2026-01-09.

Conditions:
Werner syndrome (WRN). Identifiers: Orphanet 902, MedGen C0043119, MONDO:0010196, OMIM 277700.

Allele frequency attached by ClinVar (database versions not stated): TOPMed below 0.00001; gnomAD 0.00001 and 0.00002; ExAC 0.00004; gnomAD exomes 0.00004.
gnomAD v4.1: 49 of 1,613,910 alleles (0.003%); highest among the groups gnomAD compares: South Asian, 0.049%; no homozygotes.

Submissions (2):

Labcorp Genetics (formerly Invitae), Labcorp
Classification: Likely benign for Werner syndrome. Last evaluated: 2026-01-09. Review status: criteria provided, single submitter. Criteria: Invitae Variant Classification Sherloc (09022015). Collection method: clinical testing. Allele origin: germline.

CeGaT Center for Human Genetics Tuebingen
Classification: Likely benign. Last evaluated: 2022-06-01. Review status: criteria provided, single submitter. Criteria: CeGaT Center For Human Genetics Tuebingen Variant Classification Criteria Version 2. Collection method: clinical testing. Allele origin: germline. Affected: yes. Observed: 1 variant allele.
Comment: WRN: BP4, BP7